The following is an entry in ClinVar:

ClinVar aggregate classification (germline): Pathogenic. Review status: criteria provided, multiple submitters, no conflicts (2 of 4 stars). 2 submissions from 2 submitters: Pathogenic (2). Last evaluated 2023-12-12.

Conditions:
Fetal akinesia deformation sequence 1 (FADS1). Also called: Pena-Shokeir syndrome type I; Fetal akinesia sequence. Identifiers: Orphanet 994, MedGen C1276035, MONDO:0100101, OMIM 208150, HP:0001989.
Congenital myasthenic syndrome 10. Also called: Myasthenia, limb-girdle, familial. Identifiers: Orphanet 590, MedGen C1850792, MONDO:0009690, OMIM 254300.

Submissions (2):

Labcorp Genetics (formerly Invitae), Labcorp
Classification: Pathogenic for Congenital myasthenic syndrome 10; Fetal akinesia deformation sequence 1. Last evaluated: 2023-12-12. Review status: criteria provided, single submitter. Criteria: Invitae Variant Classification Sherloc (09022015). Collection method: clinical testing. Allele origin: germline.
Comment: This sequence change results in a frameshift in the DOK7 gene (p.Leu454Profs*65). While this is not anticipated to result in nonsense mediated decay, it is expected to disrupt the last 51 amino acid(s) of the DOK7 protein and extend the protein by 13 additional amino acid residues. This variant is present in population databases (rs775544277, gnomAD 0.001%). This variant has not been reported in the literature in individuals affected with DOK7-related conditions. ClinVar contains an entry for this variant (Variation ID: 804760). This variant disrupts a region of the DOK7 protein in which other variant(s) (p.Pro486Argfs*15) have been determined to be pathogenic (PMID: 29118959). This suggests that this is a clinically significant region of the protein, and that variants that disrupt it are likely to be disease-causing. For these reasons, this variant has been classified as Pathogenic.

Athena Diagnostics
Classification: Pathogenic. Last evaluated: 2019-05-14. Review status: criteria provided, single submitter. Criteria: Athena Diagnostics Criteria. Collection method: clinical testing. Allele origin: germline.
Comment: The variant results in a shift of the reading frame, and is therefore predicted to result in the loss of a functional protein. Found in at least one symptomatic patient, and found in general population data that is consistent with pathogenicity.

Literature cited by the submitters: PubMed 29118959 (cited by Labcorp Genetics (formerly Invitae), Labcorp).

NM_173660.5(DOK7):c.1358dup (p.Leu454fs)

Gene: DOK7 (docking protein 7; plus strand). Cytogenetic location: 4p16.3.
Variant type: Duplication.
Coding change: c.1358dup on transcript NM_173660.5 (MANE Select); coding-DNA position 1358, one base duplicated (G; older notation c.1358dupG).
Protein change: p.Leu454fs; shifts the reading frame from leucine 454.
Molecular consequence: frameshift variant. On other transcripts: 3 prime UTR variant (1).
Genome position (GRCh38, 1-based): chr4:3,493,344, G duplicated; the last of 4 consecutive G bases (chr4:3,493,341-3,493,344); duplicating any one gives the same sequence. VCF-style (leftmost placement, unchanged base first): chr4-3493340-C-CG. GRCh37 (hg19) VCF-style: chr4-3495067-C-CG.
Other names: c.*579dup (NM_001164673.2); c.428dup, p.Leu144fs (NM_001256896.2); c.1358dup, p.Leu454fs (NM_001301071.2); c.926dup, p.Leu310fs (NM_001363811.2); short protein forms L454fs, L144fs, L310fs.
Identifiers: ClinVar variation 804760 (VCV000804760.4), dbSNP rs775544277, ClinGen allele CA2829485.